The following is an entry in ClinVar:

NM_000312.4(PROC):c.-21-5C>T

Gene: PROC (protein C, inactivator of coagulation factors Va and VIIIa; plus strand). Cytogenetic location: 2q14.3.
Variant type: single nucleotide variant.
Coding change: c.-21-5C>T on transcript NM_000312.4 (MANE Select); 5 bases into the intron before 21 bases upstream of the start codon, C replaced by T.
Molecular consequence: intron variant. On other transcripts: missense variant (2), 5 prime UTR variant (1).
Genome position (GRCh38, 1-based): chr2:127,419,917, C>T. VCF-style: chr2-127419917-C-T. GRCh37 (hg19) VCF-style: chr2-128177493-C-T.
Other names: c.158C>T, p.Pro53Leu (NM_001375602.1); c.94C>T, p.Leu32Phe (NM_001375607.1); c.-26C>T (NM_001375613.1); c.-17-9C>T (NM_001375611.1); c.-21-5C>T (NM_001375605.1, NM_001375608.1, NM_001375610.1); c.47-9C>T (NM_001375606.1, NM_001375603.1, NM_001375604.1); c.47-1366C>T (NM_001375609.1); short protein forms L32F, P53L.
Identifiers: ClinVar variation 331101 (VCV000331101.17), dbSNP rs41269833, ClinGen allele CA1859188.

ClinVar aggregate classification (germline): Conflicting classifications of pathogenicity. Review status: criteria provided, conflicting classifications (1 of 4 stars). 2 submissions from 2 submitters: Uncertain significance (1); Likely benign (1). Last evaluated 2022-06-09.

Conditions:
Thrombophilia due to protein C deficiency, autosomal dominant. Also called: PROC DEFICIENCY, AUTOSOMAL DOMINANT; PROTEIN C DEFICIENCY, AUTOSOMAL DOMINANT. Identifiers: Orphanet 745, MedGen C2674321, MONDO:0008316, OMIM 176860. Disease mechanism: loss of function.
Thrombophilia due to protein C deficiency, autosomal recessive. Also called: PROC DEFICIENCY, AUTOSOMAL RECESSIVE; PROTEIN C DEFICIENCY, AUTOSOMAL RECESSIVE. Identifiers: Orphanet 745, MedGen C2676759, MONDO:0012860, OMIM 612304.

Allele frequency attached by ClinVar (database versions not stated): gnomAD 0.00172 and 0.00187; TOPMed 0.00172; 1000 Genomes Project 0.00180; gnomAD exomes 0.00219 and 0.00289; 1000 Genomes Project 30x 0.00234; ExAC 0.00241; ESP Exome Variant Server 0.00246.
gnomAD v4.1: 4,462 of 1,613,952 alleles (0.28%); highest among the groups gnomAD compares: Non-Finnish European, 0.32%; 5 homozygotes.

Submissions (2):

Department of Pathology and Laboratory Medicine, Sinai Health System
Classification: Uncertain significance for Thrombophilia due to protein C deficiency, autosomal dominant; Thrombophilia due to protein C deficiency, autosomal recessive. Last evaluated: 2022-06-09. Review status: criteria provided, single submitter. Criteria: ACMG Guidelines, 2015. Collection method: research. Allele origin: germline.

Illumina Laboratory Services, Illumina
Classification: Likely benign for Thrombophilia due to protein C deficiency, autosomal dominant. Last evaluated: 2018-01-13. Review status: criteria provided, single submitter. Criteria: ICSL Variant Classification Criteria 13 December 2019. Collection method: clinical testing. Allele origin: germline.
Comment: This variant was observed in the ICSL laboratory as part of a predisposition screen in an ostensibly healthy population. It had not been previously curated by ICSL or reported in the Human Gene Mutation Database (HGMD: prior to June 1st, 2018), and was therefore a candidate for classification through an automated scoring system. Utilizing variant allele frequency, disease prevalence and penetrance estimates, and inheritance mode, an automated score was calculated to assess if this variant is too frequent to cause the disease. Based on the score and internal cut-off values, a variant classified as likely benign is not then subjected to further curation. The score for this variant resulted in a classification of likely benign for this disease.